The following is an entry in ClinVar:

ClinVar aggregate classification (germline): Benign (1 of 4 stars; one submission).

Allele frequency attached by ClinVar (database versions not stated): 1000 Genomes Project 0.07448; 1000 Genomes Project 30x 0.07464; TOPMed 0.11886; gnomAD 0.12971 and 0.13287.
gnomAD v4.1: 19,812 of 152,064 alleles (13%); highest among the groups gnomAD compares: Non-Finnish European, 19%; 1,722 homozygotes.

Submission:

GeneDx
Classification: Benign. Last evaluated: 2018-06-14. Review status: criteria provided, single submitter. Criteria: GeneDx Variant Classification (06012015). Collection method: clinical testing. Allele origin: germline. Affected: yes.
Comment: This variant is considered likely benign or benign based on one or more of the following criteria: it is a conservative change, it occurs at a poorly conserved position in the protein, it is predicted to be benign by multiple in silico algorithms, and/or has population frequency not consistent with disease.

NM_002887.4(RARS1):c.953-260G>A

Gene: RARS1 (arginyl-tRNA synthetase 1; plus strand). Cytogenetic location: 5q34.
Variant type: single nucleotide variant.
Coding change: c.953-260G>A on transcript NM_002887.4 (MANE Select); 260 bases into the intron before coding-DNA position 953, G replaced by A.
Molecular consequence: intron variant.
Genome position (GRCh38, 1-based): chr5:168,501,741, G>A. VCF-style: chr5-168501741-G-A. GRCh37 (hg19) VCF-style: chr5-167928746-G-A.
Identifiers: ClinVar variation 669549 (VCV000669549.1), dbSNP rs11743840, ClinGen allele CA12125588.